The following is an entry in ClinVar:

ClinVar aggregate classification (germline): Likely benign. Review status: criteria provided, multiple submitters, no conflicts (2 of 4 stars). 2 submissions from 2 submitters: Likely benign (2). Last evaluated 2026-03-03.

Conditions:
TULP1-related disorder. Also called: TULP1-related condition; TULP1-related disorders.

Allele frequency attached by ClinVar (database versions not stated): gnomAD exomes below 0.00001.
gnomAD v4.1: 1 of 1,594,476 alleles (0.000063%); highest among the groups gnomAD compares: East Asian, 0.0023%; no homozygotes.

Submissions (2):

PreventionGenetics, part of Exact Sciences
Classification: Likely benign for TULP1-related condition. Last evaluated: 2026-03-03. Review status: criteria provided, single submitter. Criteria: ACMG Guidelines, 2015. Collection method: clinical testing. Allele origin: germline.
Comment: This variant is classified as likely benign based on ACMG/AMP sequence variant interpretation guidelines (Richards et al. 2015 PMID: 25741868, with internal and published modifications).

Labcorp Genetics (formerly Invitae), Labcorp
Classification: Likely benign. Last evaluated: 2023-08-28. Review status: criteria provided, single submitter. Criteria: Invitae Variant Classification Sherloc (09022015). Collection method: clinical testing. Allele origin: germline.

NM_003322.6(TULP1):c.339C>T (p.Asp113=)

Gene: TULP1 (TUB like protein 1; minus strand). Cytogenetic location: 6p21.31.
Variant type: single nucleotide variant.
Coding change: c.339C>T on transcript NM_003322.6 (MANE Select); coding-DNA position 339, C replaced by T.
Protein change: p.Asp113=; no amino-acid change (aspartic acid 113 retained).
Molecular consequence: synonymous variant. On other transcripts: intron variant (1).
Genome position (GRCh38, 1-based): chr6:35,511,658, G>A on the plus strand (C>T on the coding strand, the complement: TULP1 is on the minus strand). VCF-style: chr6-35511658-G-A. GRCh37 (hg19) VCF-style: chr6-35479435-G-A.
Other names: c.339C>T (NM_003322.5); c.190+522C>T (NM_001289395.2).
Identifiers: ClinVar variation 2986358 (VCV002986358.4), dbSNP rs1174337620, ClinGen allele CA449944027.